The following is an entry in ClinVar:

ClinVar aggregate classification (germline): Uncertain significance (1 of 4 stars; one submission).

Conditions:
Dilated cardiomyopathy 1DD (CMD1DD). Identifiers: Orphanet 154, MedGen C2750995, MONDO:0013168, OMIM 613172.

Submission:

Labcorp Genetics (formerly Invitae), Labcorp
Classification: Uncertain significance for Dilated cardiomyopathy 1DD. Last evaluated: 2019-11-02. Review status: criteria provided, single submitter. Criteria: Invitae Variant Classification Sherloc (09022015). Collection method: clinical testing. Allele origin: germline.
Comment: This sequence change replaces arginine with serine at codon 619 of the RBM20 protein (p.Arg619Ser). The arginine residue is highly conserved and there is a moderate physicochemical difference between arginine and serine. This variant is not present in population databases (ExAC no frequency). This variant has not been reported in the literature in individuals with RBM20-related conditions. Algorithms developed to predict the effect of missense changes on protein structure and function (SIFT, PolyPhen-2, Align-GVGD) all suggest that this variant is likely to be disruptive, but these predictions have not been confirmed by published functional studies and their clinical significance is uncertain. In summary, the available evidence is currently insufficient to determine the role of this variant in disease. Therefore, it has been classified as a Variant of Uncertain Significance.

NM_001134363.3(RBM20):c.1857G>T (p.Arg619Ser)

Gene: RBM20 (RNA binding motif protein 20; plus strand). Cytogenetic location: 10q25.2.
Variant type: single nucleotide variant.
Coding change: c.1857G>T on transcript NM_001134363.3 (MANE Select); coding-DNA position 1857, G replaced by T.
Protein change: p.Arg619Ser; replaces arginine 619 with serine.
Molecular consequence: missense variant.
Genome position (GRCh38, 1-based): chr10:110,810,439, G>T. VCF-style: chr10-110810439-G-T. GRCh37 (hg19) VCF-style: chr10-112570197-G-T.
Other names: short protein forms R619S.
Identifiers: ClinVar variation 970338 (VCV000970338.9), dbSNP rs1844750147, ClinGen allele CA378369243.
Genomic context (GRCh38, chr10:110,810,439, plus strand): 5'-CTAGAAACCCGGGAAGGCCGTGGCTGCCATCATCCAGGACATCCATTCCCAGAGGGAGAG[G>T]GACATGTTCCGGGAAGCAGACAGGTGAGGCCCCAAGCCCCAAGTCTCCAGGCAGGTTCTG-3'
Protein context (NP_001127835.2, residues 609-629): IIQDIHSQRE[Arg619Ser]DMFREADRYG